The following is an entry in ClinVar:

NM_006172.4(NPPA):c.171C>T (p.Val57=)

Genes: NPPA (natriuretic peptide A; minus strand), NPPA-AS1 (NPPA antisense RNA 1; plus strand), LOC114827827 (VISTA enhancer hs2123; plus strand). Cytogenetic location: 1p36.22.
Variant type: single nucleotide variant.
Coding change: c.171C>T on transcript NM_006172.4 (MANE Select); coding-DNA position 171, C replaced by T.
Protein change: p.Val57=; no amino-acid change (valine 57 retained).
Molecular consequence: synonymous variant.
Genome position (GRCh38, 1-based): chr1:11,847,392, G>A on the plus strand (C>T on the coding strand, the complement: NPPA is on the minus strand). VCF-style: chr1-11847392-G-A. GRCh37 (hg19) VCF-style: chr1-11907449-G-A.
Other names: c.171C>T (LRG_751t1).
Identifiers: ClinVar variation 469604 (VCV000469604.25), dbSNP rs61757262, ClinGen allele CA597073.
Genomic context (GRCh38, chr1:11,847,392, plus strand): 5'-GAGGGGGCTGAGAGCAGCCCCCGCTTCTTCATTCGGCTCACTGAGCACTTGTGGGGGCAC[G>A]ACCTCATCTTCTAAAGGCATCTTTTCTTCCAAATGGTCCAGCAAATTCTTTAGAAAAGGA-3'
Protein context (NP_006163.1, residues 47-67): LEEKMPLEDE[Val57=]VPPQVLSEPN

ClinVar aggregate classification (germline): Likely benign. Review status: criteria provided, multiple submitters, no conflicts (2 of 4 stars). 2 submissions from 2 submitters: Likely benign (2). Last evaluated 2026-01-31.

Conditions:
Atrial fibrillation, familial, 6 (ATFB6). Identifiers: MedGen C2677294, MONDO:0012816, OMIM 612201.

Allele frequency attached by ClinVar (database versions not stated): 1000 Genomes Project 0.00020; 1000 Genomes Project 30x 0.00031; gnomAD 0.00099 and 0.00106; gnomAD exomes 0.00109 and 0.00160; TOPMed 0.00110; ExAC 0.00131; ESP Exome Variant Server 0.00138.

Submissions (2):

Labcorp Genetics (formerly Invitae), Labcorp
Classification: Likely benign for Atrial fibrillation, familial, 6. Last evaluated: 2026-01-31. Review status: criteria provided, single submitter. Criteria: Invitae Variant Classification Sherloc (09022015). Collection method: clinical testing. Allele origin: germline.

CeGaT Center for Human Genetics Tuebingen
Classification: Likely benign. Last evaluated: 2025-02-01. Review status: criteria provided, single submitter. Criteria: CeGaT Center For Human Genetics Tuebingen Variant Classification Criteria Version 2. Collection method: clinical testing. Allele origin: germline. Affected: yes. Observed: 1 variant allele.
Comment: NPPA: BP4, BP7